The following is an entry in ClinVar:

NM_003982.4(SLC7A7):c.534del (p.Lys178fs)

Gene: SLC7A7 (solute carrier family 7 member 7; minus strand). Cytogenetic location: 14q11.2.
Variant type: Deletion.
Coding change: c.534del on transcript NM_003982.4 (MANE Select); coding-DNA position 534, one base deleted (A; older notation c.534delA).
Protein change: p.Lys178fs; shifts the reading frame from lysine 178.
Molecular consequence: frameshift variant.
Genome position (GRCh38, 1-based): chr14:22,780,017, T deleted on the plus strand (A on the coding strand, the reverse complement: SLC7A7 is on the minus strand); the first of 3 consecutive T bases (chr14:22,780,017-22,780,019); deleting any one gives the same sequence. VCF-style (leftmost placement, unchanged base first): chr14-22780016-AT-A. GRCh37 (hg19) VCF-style: chr14-23249225-AT-A.
Other names: c.534del, p.Lys178fs (NM_001126105.3, NM_001126106.4); short protein forms K178fs.
Identifiers: ClinVar variation 3617379 (VCV003617379.2).

ClinVar aggregate classification (germline): Pathogenic (1 of 4 stars; one submission).

Conditions:
Lysinuric protein intolerance (LPI). Identifiers: Orphanet 470, MedGen C0268647, MONDO:0009109, OMIM 222700.

Submission:

Labcorp Genetics (formerly Invitae), Labcorp
Classification: Pathogenic for Lysinuric protein intolerance. Last evaluated: 2024-02-16. Review status: criteria provided, single submitter. Criteria: Invitae Variant Classification Sherloc (09022015). Collection method: clinical testing. Allele origin: germline.
Comment: This sequence change creates a premature translational stop signal (p.Lys178Asnfs*18) in the SLC7A7 gene. It is expected to result in an absent or disrupted protein product. Loss-of-function variants in SLC7A7 are known to be pathogenic (PMID: 10631139, 17764084). This variant is not present in population databases (gnomAD no frequency). This variant has not been reported in the literature in individuals affected with SLC7A7-related conditions. For these reasons, this variant has been classified as Pathogenic.

Literature cited by the submitters: PubMed 10631139; PubMed 17764084.